The following is an entry in ClinVar:

NM_001023570.4(IQCB1):c.101-1G>A

Gene: IQCB1 (IQ motif containing B1; minus strand). Cytogenetic location: 3q13.33.
Variant type: single nucleotide variant.
Coding change: c.101-1G>A on transcript NM_001023570.4 (MANE Select); the canonical splice acceptor site of the intron before coding-DNA position 101, G replaced by A.
Molecular consequence: splice acceptor variant.
Genome position (GRCh38, 1-based): chr3:121,828,633, C>T on the plus strand (G>A on the coding strand, the complement: IQCB1 is on the minus strand). VCF-style: chr3-121828633-C-T. GRCh37 (hg19) VCF-style: chr3-121547480-C-T.
Other names: c.101-1G>A (NM_001319107.2, NM_001023571.4).
Identifiers: ClinVar variation 1485965 (VCV001485965.8), dbSNP rs1372024420, ClinGen allele CA354114500.

ClinVar aggregate classification (germline): Likely pathogenic (1 of 4 stars; one submission).

Conditions:
Nephronophthisis. Also called: Juvenile Nephronophthisis. Identifiers: Orphanet 655, MedGen C0687120, MONDO:0019005, HP:0000090.

Allele frequency attached by ClinVar (database versions not stated): gnomAD 0.00001.
gnomAD v4.1: 8 of 1,586,426 alleles (0.0005%); highest among the groups gnomAD compares: South Asian, 0.0089%; no homozygotes.

Submission:

Labcorp Genetics (formerly Invitae), Labcorp
Classification: Likely pathogenic for Nephronophthisis. Last evaluated: 2022-03-16. Review status: criteria provided, single submitter. Criteria: Invitae Variant Classification Sherloc (09022015). Collection method: clinical testing. Allele origin: germline.
Comment: This sequence change affects an acceptor splice site in intron 3 of the IQCB1 gene. It is expected to disrupt RNA splicing. Variants that disrupt the donor or acceptor splice site typically lead to a loss of protein function (PMID: 16199547), and loss-of-function variants in IQCB1 are known to be pathogenic (PMID: 15723066, 21901789, 23559409, 28041643). This variant is present in population databases (no rsID available, gnomAD 0.003%). This variant has not been reported in the literature in individuals affected with IQCB1-related conditions. Algorithms developed to predict the effect of sequence changes on RNA splicing suggest that this variant may disrupt the consensus splice site. In summary, the currently available evidence indicates that the variant is pathogenic, but additional data are needed to prove that conclusively. Therefore, this variant has been classified as Likely Pathogenic.

Literature cited by the submitters: PubMed 16199547; PubMed 15723066; PubMed 21901789; PubMed 23559409; PubMed 28041643.